The following is an entry in ClinVar:

ClinVar aggregate classification (germline): Benign. Review status: criteria provided, multiple submitters, no conflicts (2 of 4 stars). 12 submissions from 10 submitters: Benign (10). 2 of the submissions do not count toward it. Last evaluated 2026-02-02.

Conditions:
Charcot-Marie-Tooth disease. Also called: Charcot-Marie-Tooth Hereditary Neuropathy; Charcot-Marie-Tooth Neuropathy. Identifiers: Orphanet 166, MedGen C0007959, MONDO:0015626.
Charcot-Marie-Tooth disease type 4. Also called: Charcot-Marie-Tooth, Type 4; Charcot-Marie-Tooth disease, type IV. Identifiers: Orphanet 64749, MedGen C4082197, MONDO:0018995.
Susceptibility to mononeuropathy of the median nerve, mild. Also called: CARPAL TUNNEL SYNDROME, SUSCEPTIBILITY TO. Identifiers: MedGen C3150596, MONDO:0013237, OMIM 613353.
Charcot-Marie-Tooth disease type 4C (CMT4C). Also called: SH3TC2-Related Hereditary Motor and Sensory Neuropathy; CHARCOT-MARIE-TOOTH DISEASE, DEMYELINATING, TYPE 4C; CHARCOT-MARIE-TOOTH DISEASE, DEMYELINATING, AUTOSOMAL RECESSIVE, TYPE 4C; CMT 4C; Charcot-Marie-Tooth Neuropathy Type 4C (CMT4C). Identifiers: Orphanet 99949, MedGen C1866636, MONDO:0011113, OMIM 601596.

Allele frequency attached by ClinVar (database versions not stated): 1000 Genomes Project 30x 0.01640; 1000 Genomes Project 0.01657; TOPMed 0.02056; gnomAD 0.02130 and 0.02211; ESP Exome Variant Server 0.02468; ExAC 0.02707; gnomAD exomes 0.02721 and 0.03265.
gnomAD v4.1: 51,040 of 1,614,142 alleles (3.2%); highest among the groups gnomAD compares: South Asian, 4.6%; 920 homozygotes.

Submissions (12):

Labcorp Genetics (formerly Invitae), Labcorp
Classification: Benign for Charcot-Marie-Tooth disease type 4. Last evaluated: 2026-02-02. Review status: criteria provided, single submitter. Criteria: Invitae Variant Classification Sherloc (09022015). Collection method: clinical testing. Allele origin: germline.

Athena Diagnostics
Classification: Benign. Last evaluated: 2024-09-26. Review status: criteria provided, single submitter. Criteria: Athena Diagnostics Criteria. Collection method: clinical testing. Allele origin: unknown.

Genome-Nilou Lab
Classification: Benign for Charcot-Marie-Tooth disease type 4C. Last evaluated: 2021-07-15. Review status: criteria provided, single submitter. Criteria: ACMG Guidelines, 2015. Collection method: clinical testing. Allele origin: germline. Affected: no.

Genome-Nilou Lab
Classification: Benign for Susceptibility to mononeuropathy of the median nerve, mild. Last evaluated: 2021-07-15. Review status: criteria provided, single submitter. Criteria: ACMG Guidelines, 2015. Collection method: clinical testing. Allele origin: germline. Affected: no.

Illumina Laboratory Services, Illumina
Classification: Benign for Susceptibility to mononeuropathy of the median nerve, mild. Last evaluated: 2018-01-25. Review status: criteria provided, single submitter. Criteria: ICSL Variant Classification Criteria 13 December 2019. Collection method: clinical testing. Allele origin: germline.
Comment: This variant was observed as part of a predisposition screen in an ostensibly healthy population. A literature search was performed for the gene, cDNA change, and amino acid change (where applicable). Publications were found based on this search. The evidence from the literature, in combination with allele frequency data from public databases where available, was sufficient to rule this variant out of causing disease. Therefore, this variant is classified as benign.

Illumina Laboratory Services, Illumina
Classification: Benign for Charcot-Marie-Tooth disease type 4C. Last evaluated: 2017-04-27. Review status: criteria provided, single submitter. Criteria: ICSL Variant Classification Criteria 13 December 2019. Collection method: clinical testing. Allele origin: germline.
Comment: the same text as in the submission from Illumina Laboratory Services, Illumina above.

Mayo Clinic Laboratories, Mayo Clinic
Classification: Benign. Last evaluated: 2016-06-23. Review status: criteria provided, single submitter. Criteria: ACMG Guidelines, 2015. Collection method: clinical testing. Allele origin: germline. Observed: 117 variant alleles.

GeneDx
Classification: Benign. Last evaluated: 2015-03-03. Review status: criteria provided, single submitter. Criteria: GeneDx Variant Classification Process June 2021. Collection method: clinical testing. Allele origin: germline. Affected: yes.

Molecular Genetics Laboratory, London Health Sciences Centre
Classification: Benign for Charcot-Marie-Tooth disease. Review status: criteria provided, single submitter. Criteria: ACMG Guidelines, 2015. Collection method: clinical testing. Allele origin: germline. Affected: yes.

PreventionGenetics, part of Exact Sciences
Classification: Benign. Review status: criteria provided, single submitter. Criteria: ACMG Guidelines, 2015. Collection method: clinical testing. Allele origin: germline.

Clinical Genetics, Academic Medical Center
Classification: Benign. Review status: no assertion criteria provided. Collection method: clinical testing. Allele origin: germline. Affected: yes. Study: VKGL Data-share Consensus. Not counted in ClinVar's aggregate classification.

Genome Diagnostics Laboratory, University Medical Center Utrecht
Classification: Benign. Review status: no assertion criteria provided. Collection method: clinical testing. Allele origin: germline. Affected: yes. Study: VKGL Data-share Consensus. Not counted in ClinVar's aggregate classification.

Literature cited by the submitters: PubMed 21291453 (cited by Athena Diagnostics and Illumina Laboratory Services, Illumina).

NM_024577.4(SH3TC2):c.3472G>A (p.Val1158Ile)

Gene: SH3TC2 (SH3 domain and tetratricopeptide repeats 2; minus strand). Cytogenetic location: 5q32.
Variant type: single nucleotide variant.
Coding change: c.3472G>A on transcript NM_024577.4 (MANE Select); coding-DNA position 3472, G replaced by A.
Protein change: p.Val1158Ile; replaces valine 1158 with isoleucine.
Molecular consequence: missense variant.
Genome position (GRCh38, 1-based): chr5:149,008,857, C>T on the plus strand (G>A on the coding strand, the complement: SH3TC2 is on the minus strand). VCF-style: chr5-149008857-C-T. GRCh37 (hg19) VCF-style: chr5-148388420-C-T.
Other names: p.Val1158Ile; short protein forms V1158I.
Identifiers: ClinVar variation 221185 (VCV000221185.27), dbSNP rs55853803, ClinGen allele CA348277.
Genomic context (GRCh38, chr5:149,008,857, plus strand): 5'-TCCTTGACTAATCACCCCTCTCATTCAACACACCCAATAGTGAAGACCACCCACCTGTGA[C>T]TGTGCTGAGCCTGGCGGCCAGGGTGGCAAATTCCAAAGCCTTCTCATAGCCTTCGAGGCT-3'
Protein context (NP_078853.2, residues 1148-1168): FATLAARLST[Val1158Ile]TGDQRQELVA